The following is an entry in ClinVar:

ClinVar aggregate classification (germline): Uncertain significance. Review status: criteria provided, multiple submitters, no conflicts (2 of 4 stars). 2 submissions from 2 submitters: Uncertain significance (2). Last evaluated 2023-06-01.

Conditions:
Inborn genetic diseases. Identifiers: MedGen C0950123, MeSH D030342.

Allele frequency attached by ClinVar (database versions not stated): gnomAD exomes 0.00001; ExAC 0.00002.
gnomAD v4.1: 14 of 1,608,426 alleles (0.00087%); highest among the groups gnomAD compares: Non-Finnish European, 0.0011%; no homozygotes.

Submissions (2):

CeGaT Center for Human Genetics Tuebingen
Classification: Uncertain significance. Last evaluated: 2023-06-01. Review status: criteria provided, single submitter. Criteria: CeGaT Center For Human Genetics Tuebingen Variant Classification Criteria Version 2. Collection method: clinical testing. Allele origin: germline. Affected: yes. Observed: 1 variant allele.
Comment: OCA2: PM2, BP4

Ambry Genetics
Classification: Uncertain significance for Inborn genetic diseases. Last evaluated: 2023-03-13. Review status: criteria provided, single submitter. Criteria: Ambry Variant Classification Scheme 2023. Collection method: clinical testing. Allele origin: germline.

NM_000275.3(OCA2):c.1846A>G (p.Arg616Gly)

Gene: OCA2 (OCA2 melanosomal transmembrane protein; minus strand). Cytogenetic location: 15q13.1.
Variant type: single nucleotide variant.
Coding change: c.1846A>G on transcript NM_000275.3 (MANE Select); coding-DNA position 1846, A replaced by G.
Protein change: p.Arg616Gly; replaces arginine 616 with glycine.
Molecular consequence: missense variant.
Genome position (GRCh38, 1-based): chr15:27,951,889, T>C on the plus strand (A>G on the coding strand, the complement: OCA2 is on the minus strand). VCF-style: chr15-27951889-T-C. GRCh37 (hg19) VCF-style: chr15-28197035-T-C.
Other names: c.1774A>G, p.Arg592Gly (NM_001300984.2); short protein forms R616G, R592G.
Identifiers: ClinVar variation 2495517 (VCV002495517.29), dbSNP rs199980244, ClinGen allele CA7438871.
Genomic context (GRCh38, chr15:27,951,889, plus strand): 5'-TGAAGATAACAAATCCCAACACTGTCAGGCATTTGGCGAGCAGAATCCCGTCAGATATCC[T>C]ATGCTGTAAGAGAGAAACCACAGCTCATTTACTCTGCACAACCTTCTGACTCCTGCAGCG-3'
Protein context (NP_000266.2, residues 606-626): TNIQELQKKH[Arg616Gly]ISDGILLAKC